The following is an entry in ClinVar:

NC_012920.1(MT-CO3):m.9577T>C

Gene: MT-CO3 (mitochondrially encoded cytochrome c oxidase III; plus strand).
Variant type: single nucleotide variant.
Genome position: chrM-9577-T-C.
Identifiers: ClinVar variation 693184 (VCV000693184.1), dbSNP rs386829086, ClinGen allele CA337098493.

ClinVar aggregate classification (germline): Uncertain significance (1 of 4 stars; one submission).

Conditions:
Leigh syndrome (NULS). Also called: Leigh's necrotizing encephalopathy; Leigh's disease; Leigh Syndrome (mtDNA deletion); Leigh Disease; Subacute necrotizing encephalopathy; Necrotizing encephalopathy infantile subacute of Leigh. Identifiers: Orphanet 506, MedGen C2931891, MONDO:0009723, OMIM 256000.

Submission:

Wong Mito Lab, Molecular and Human Genetics, Baylor College of Medicine
Classification: Uncertain significance for Leigh syndrome. Last evaluated: 2019-10-17. Review status: criteria provided, single submitter. Criteria: Modified ACMG Guidelines (Unpublished). Collection method: clinical testing. Allele origin: germline.
Comment: The NC_012920.1:m.9577T>C (YP_003024032.1:p.Leu124Pro) variant in MTCO3 gene is interpretated to be a Uncertain Significance variant based on the modified ACMG guidelines (unpublished). This variant meets the following evidence codes: PP7